The following is an entry in ClinVar:

ClinVar aggregate classification (germline): Uncertain significance. Review status: criteria provided, multiple submitters, no conflicts (2 of 4 stars). 2 submissions from 2 submitters: Uncertain significance (2). Last evaluated 2024-12-04.

Conditions:
Inborn genetic diseases. Identifiers: MedGen C0950123, MeSH D030342.

Allele frequency attached by ClinVar (database versions not stated): 1000 Genomes Project 30x 0.00016; 1000 Genomes Project 0.00020.
gnomAD v4.1: 118 of 1,612,904 alleles (0.0073%); highest among the groups gnomAD compares: Middle Eastern, 0.017%; no homozygotes.

Submissions (2):

Ambry Genetics
Classification: Uncertain significance for Inborn genetic diseases. Last evaluated: 2024-12-04. Review status: criteria provided, single submitter. Criteria: Ambry Variant Classification Scheme 2023. Collection method: clinical testing. Allele origin: germline.

Labcorp Genetics (formerly Invitae), Labcorp
Classification: Uncertain significance. Last evaluated: 2024-11-21. Review status: criteria provided, single submitter. Criteria: Invitae Variant Classification Sherloc (09022015). Collection method: clinical testing. Allele origin: germline.
Comment: This sequence change replaces proline, which is neutral and non-polar, with histidine, which is basic and polar, at codon 83 of the MYH3 protein (p.Pro83His). This variant is present in population databases (rs199513213, gnomAD 0.009%). This variant has not been reported in the literature in individuals affected with MYH3-related conditions. ClinVar contains an entry for this variant (Variation ID: 1411515). Invitae Evidence Modeling of protein sequence and biophysical properties (such as structural, functional, and spatial information, amino acid conservation, physicochemical variation, residue mobility, and thermodynamic stability) has been performed for this missense variant. However, the output from this modeling did not meet the statistical confidence thresholds required to predict the impact of this variant on MYH3 protein function. In summary, the available evidence is currently insufficient to determine the role of this variant in disease. Therefore, it has been classified as a Variant of Uncertain Significance.

NM_002470.4(MYH3):c.248C>A (p.Pro83His)

Gene: MYH3 (myosin heavy chain 3; minus strand). Cytogenetic location: 17p13.1.
Variant type: single nucleotide variant.
Coding change: c.248C>A on transcript NM_002470.4 (MANE Select); coding-DNA position 248, C replaced by A.
Protein change: p.Pro83His; replaces proline 83 with histidine.
Molecular consequence: missense variant.
Genome position (GRCh38, 1-based): chr17:10,652,520, G>T on the plus strand (C>A on the coding strand, the complement: MYH3 is on the minus strand). VCF-style: chr17-10652520-G-T. GRCh37 (hg19) VCF-style: chr17-10555837-G-T.
Other names: c.248C>A (NM_002470.3); short protein forms P83H.
Identifiers: ClinVar variation 1411515 (VCV001411515.7), dbSNP rs199513213, ClinGen allele CA8393365.
Genomic context (GRCh38, chr17:10,652,520, plus strand): 5'-AGCACGGCTGGCTCATTCAGGTGCGTCAGCATGGCCATGTCTTCGATCCTGTCGAACTTG[G>T]GGGGGTTCATGGCGTACACATCCTCTGGTTTGACCACCAGGGTCTAAAAAGGAAGAGGCA-3'
Protein context (NP_002461.2, residues 73-93): KPEDVYAMNP[Pro83His]KFDRIEDMAM